The following is an entry in ClinVar:

ClinVar aggregate classification (germline): Uncertain significance. Review status: criteria provided, multiple submitters, no conflicts (2 of 4 stars). 2 submissions from 2 submitters: Uncertain significance (2). Last evaluated 2023-12-16.

Conditions:
Cardiovascular phenotype. Identifiers: MedGen CN230736.
Danon disease. Also called: Glycogen Storage Disease Type IIb; ANTOPOL DISEASE; PSEUDOGLYCOGENOSIS II; GSD IIb; LYSOSOMAL GLYCOGEN STORAGE DISEASE WITHOUT ACID MALTASE DEFICIENCY. Identifiers: Orphanet 34587, MedGen C0878677, MONDO:0010281, OMIM 300257.

Allele frequency attached by ClinVar (database versions not stated): gnomAD exomes below 0.00001 and 0.00001; TOPMed below 0.00001; ExAC 0.00001.

Submissions (2):

Labcorp Genetics (formerly Invitae), Labcorp
Classification: Uncertain significance for Danon disease. Last evaluated: 2023-12-16. Review status: criteria provided, single submitter. Criteria: Invitae Variant Classification Sherloc (09022015). Collection method: clinical testing. Allele origin: germline.
Comment: This sequence change replaces histidine, which is basic and polar, with tyrosine, which is neutral and polar, at codon 69 of the LAMP2 protein (p.His69Tyr). This variant is present in population databases (rs776875696, gnomAD 0.008%). This variant has not been reported in the literature in individuals affected with LAMP2-related conditions. ClinVar contains an entry for this variant (Variation ID: 947454). Advanced modeling of protein sequence and biophysical properties (such as structural, functional, and spatial information, amino acid conservation, physicochemical variation, residue mobility, and thermodynamic stability) performed at Invitae indicates that this missense variant is not expected to disrupt LAMP2 protein function with a negative predictive value of 80%. In summary, the available evidence is currently insufficient to determine the role of this variant in disease. Therefore, it has been classified as a Variant of Uncertain Significance.

Ambry Genetics
Classification: Uncertain significance for Cardiovascular phenotype. Last evaluated: 2020-09-29. Review status: criteria provided, single submitter. Criteria: Ambry Variant Classification Scheme 2023. Collection method: clinical testing. Allele origin: germline.
Comment: The p.H69Y variant (also known as c.205C>T), located in coding exon 3 of the LAMP2 gene, results from a C to T substitution at nucleotide position 205. The histidine at codon 69 is replaced by tyrosine, an amino acid with similar properties. Based on data from gnomAD, the T allele has an overall frequency of 0.001% (2/183342) total alleles studied, with 0 hemizygote(s) observed. The highest observed frequency was 0.007% (2/27395) of Latino alleles. This amino acid position is poorly conserved in available vertebrate species. In addition, this alteration is predicted to be tolerated by in silico analysis. Since supporting evidence is limited at this time, the clinical significance of this alteration remains unclear.

NM_002294.3(LAMP2):c.205C>T (p.His69Tyr)

Gene: LAMP2 (lysosome associated membrane protein 2; minus strand). Cytogenetic location: Xq24.
Variant type: single nucleotide variant.
Coding change: c.205C>T on transcript NM_002294.3 (MANE Select); coding-DNA position 205, C replaced by T.
Protein change: p.His69Tyr; replaces histidine 69 with tyrosine.
Molecular consequence: missense variant.
Genome position (GRCh38, 1-based): chrX:120,455,549, G>A on the plus strand (C>T on the coding strand, the complement: LAMP2 is on the minus strand). VCF-style: chrX-120455549-G-A. GRCh37 (hg19) VCF-style: chrX-119589404-G-A.
Other names: c.205C>T, p.His69Tyr (NM_001122606.1, NM_013995.2); short protein forms H69Y.
Identifiers: ClinVar variation 947454 (VCV000947454.9), dbSNP rs776875696, ClinGen allele CA10505333.